The following is an entry in ClinVar:

ClinVar aggregate classification (germline): Uncertain significance (1 of 4 stars; one submission).

Allele frequency attached by ClinVar (database versions not stated): gnomAD exomes below 0.00001.
gnomAD v4.1: 2 of 1,614,026 alleles (0.00012%); highest among the groups gnomAD compares: East Asian, 0.0022%; no homozygotes.

Submission:

Labcorp Genetics (formerly Invitae), Labcorp
Classification: Uncertain significance. Last evaluated: 2022-02-02. Review status: criteria provided, single submitter. Criteria: Invitae Variant Classification Sherloc (09022015). Collection method: clinical testing. Allele origin: germline.
Comment: In summary, the available evidence is currently insufficient to determine the role of this variant in disease. Therefore, it has been classified as a Variant of Uncertain Significance. Variants that disrupt the consensus splice site are a relatively common cause of aberrant splicing (PMID: 17576681, 9536098). Algorithms developed to predict the effect of sequence changes on RNA splicing suggest that this variant may disrupt the consensus splice site. This variant has not been reported in the literature in individuals affected with HPS1-related conditions. This variant is not present in population databases (gnomAD no frequency). This sequence change falls in intron 3 of the HPS1 gene. It does not directly change the encoded amino acid sequence of the HPS1 protein. It affects a nucleotide within the consensus splice site.

Literature cited by the submitters: PubMed 17576681; PubMed 9536098.

NM_000195.5(HPS1):c.118-3C>T

Gene: HPS1 (HPS1 biogenesis of lysosomal organelles complex 3 subunit 1; minus strand). Cytogenetic location: 10q24.2.
Variant type: single nucleotide variant.
Coding change: c.118-3C>T on transcript NM_000195.5 (MANE Select); 3 bases into the intron before coding-DNA position 118, C replaced by T.
Molecular consequence: intron variant.
Genome position (GRCh38, 1-based): chr10:98,435,775, G>A on the plus strand (C>T on the coding strand, the complement: HPS1 is on the minus strand). VCF-style: chr10-98435775-G-A. GRCh37 (hg19) VCF-style: chr10-100195532-G-A.
Other names: c.-109-3C>T (NM_001322483.2, NM_001322485.2, NM_001322484.2); c.118-3C>T (NM_001322480.2, NM_001322478.2, NM_001322476.2 and 8 more transcripts); c.-656-3C>T (NM_001322489.2); c.-799-3C>T (NM_001311345.2); c.-898-3C>T (NM_001322487.2).
Identifiers: ClinVar variation 1435435 (VCV001435435.6), dbSNP rs2136258183, ClinGen allele CA2573146059.